The following is an entry in ClinVar:

ClinVar aggregate classification (germline): Uncertain significance. Review status: criteria provided, multiple submitters, no conflicts (2 of 4 stars). 2 submissions from 2 submitters: Uncertain significance (2). Last evaluated 2024-11-08.

Submissions (2):

Revvity Omics, Revvity
Classification: Uncertain significance. Last evaluated: 2024-11-08. Review status: criteria provided, single submitter. Criteria: ACMG Guidelines, 2015. Collection method: clinical testing. Allele origin: germline.

Greenwood Genetic Center Diagnostic Laboratories, Greenwood Genetic Center
Classification: Uncertain significance. Last evaluated: 2022-08-07. Review status: criteria provided, single submitter. Criteria: ACMG Guidelines, 2015. Collection method: clinical testing. Allele origin: germline. Affected: yes.
Comment: PM2 BP4

NM_000334.4(SCN4A):c.2628G>C (p.Glu876Asp)

Genes: GH-LCR (growth hormone locus control region; plus strand), SCN4A (sodium voltage-gated channel alpha subunit 4; minus strand). Cytogenetic location: 17q23.3.
Variant type: single nucleotide variant.
Coding change: c.2628G>C on transcript NM_000334.4 (MANE Select); coding-DNA position 2628, G replaced by C.
Protein change: p.Glu876Asp; replaces glutamic acid 876 with aspartic acid.
Molecular consequence: missense variant.
Genome position (GRCh38, 1-based): chr17:63,951,649, C>G on the plus strand (G>C on the coding strand, the complement: SCN4A is on the minus strand). VCF-style: chr17-63951649-C-G. GRCh37 (hg19) VCF-style: chr17-62029009-C-G.
Other names: short protein forms E876D.
Identifiers: ClinVar variation 1710478 (VCV001710478.4), dbSNP rs368479778, ClinGen allele CA400626285.
Genomic context (GRCh38, chr17:63,951,649, plus strand): 5'-GTGGTTCAGGATGTGATTGTCCTTCTTCAGGTCCTCCTCGGGCGGCTCCTTCTTCTCATC[C>G]TCGGGGGCAGTCTCCCCCGCCTCTCCAGCCTCCCCGGCCCCGTCAGCCTCCCCGAGGCTG-3'
Protein context (NP_000325.4, residues 866-886): EAGEAGETAP[Glu876Asp]DEKKEPPEED